The following is an entry in ClinVar:

ClinVar aggregate classification (germline): Benign. Review status: criteria provided, multiple submitters, no conflicts (2 of 4 stars). 7 submissions from 7 submitters: Benign (4). 3 of the submissions do not count toward it. Last evaluated 2025-03-03.

Conditions:
Hereditary cancer-predisposing syndrome. Also called: Hereditary Cancer Syndrome; Hereditary neoplastic syndrome; Neoplastic Syndromes, Hereditary; Tumor predisposition. Identifiers: Orphanet 140162, MedGen C0027672, MeSH D009386, MONDO:0015356.
Pheochromocytoma/paraganglioma syndrome 5. Also called: Paragangliomas 5; SDHA-Related Hereditary Paraganglioma-Pheochromocytoma Syndrome. Identifiers: Orphanet 29072, MedGen C3279992, MONDO:0013602, OMIM 614165.

Submissions (7):

Myriad Genetics, Inc.
Classification: Benign for Pheochromocytoma/paraganglioma syndrome 5. Last evaluated: 2025-03-03. Review status: criteria provided, single submitter. Criteria: Myriad Autosomal Dominant, Autosomal Recessive and X-Linked Classification Criteria (2023). Collection method: clinical testing. Allele origin: unknown.
Comment: This variant is considered benign. This variant is intronic and is not expected to impact mRNA splicing.

Hereditary Cancer Laboratory, Hospital Universitario 12 de Octubre
Classification: Benign for Hereditary cancer-predisposing syndrome. Last evaluated: 2025-01-08. Review status: criteria provided, single submitter. Criteria: ACMG Guidelines, 2015. Collection method: clinical testing. Allele origin: germline.
Comment: BA1+BP6

GeneDx
Classification: Benign. Last evaluated: 2015-03-03. Review status: criteria provided, single submitter. Criteria: GeneDx Variant Classification Process June 2021. Collection method: clinical testing. Allele origin: germline. Affected: yes.

PreventionGenetics, part of Exact Sciences
Classification: Benign. Review status: criteria provided, single submitter. Criteria: ACMG Guidelines, 2015. Collection method: clinical testing. Allele origin: germline.

Clinical Genetics Laboratory, Department of Pathology, Netherlands Cancer Institute
Classification: Benign. Review status: no assertion criteria provided. Collection method: clinical testing. Allele origin: germline. Affected: yes. Study: VKGL Data-share Consensus. Not counted in ClinVar's aggregate classification.

Diagnostic Laboratory, Department of Genetics, University Medical Center Groningen
Classification: Benign. Review status: no assertion criteria provided. Collection method: clinical testing. Allele origin: germline. Affected: yes. Study: VKGL Data-share Consensus. Not counted in ClinVar's aggregate classification.

Genome Diagnostics Laboratory, University Medical Center Utrecht
Classification: Likely benign. Review status: no assertion criteria provided. Collection method: clinical testing. Allele origin: germline. Affected: yes. Study: VKGL Data-share Consensus. Not counted in ClinVar's aggregate classification.

NM_004168.4(SDHA):c.622-13del

Gene: SDHA (succinate dehydrogenase complex flavoprotein subunit A; plus strand). Cytogenetic location: 5p15.33.
Variant type: Deletion.
Coding change: c.622-13del on transcript NM_004168.4 (MANE Select); 13 bases into the intron before coding-DNA position 622, one base deleted (T; older notation c.622-13delT).
Molecular consequence: intron variant.
Genome position (GRCh38, 1-based): chr5:228,172, T deleted; the last of 9 consecutive T bases (chr5:228,164-228,172); deleting any one gives the same sequence. VCF-style (leftmost placement, unchanged base first): chr5-228163-CT-C. GRCh37 (hg19) VCF-style: chr5-228278-CT-C.
Other names: c.622-13del (NM_001330758.2); c.478-13del (NM_001294332.2); c.622-13delT (NM_004168.2).
Identifiers: ClinVar variation 259247 (VCV000259247.8), dbSNP rs3835068, ClinGen allele CA3172916.
Genomic context (GRCh38, chr5:228,163, plus strand): 5'-CCTATTCACATGAGCAGATACCACCTTAAAACCTTAAAGTTTGGCTTAACACTTCTTGCC[CT>C]TTTTTTTTCCTTTCTTTTAGTCTCTGCGATATGATACCAGCTATTTTGTGGAGTATTTTG-3'